The following is an entry in ClinVar:

ClinVar aggregate classification (germline): Pathogenic (1 of 4 stars; one submission).

Submission:

Labcorp Genetics (formerly Invitae), Labcorp
Classification: Pathogenic. Last evaluated: 2024-08-08. Review status: criteria provided, single submitter. Criteria: Invitae Variant Classification Sherloc (09022015). Collection method: clinical testing. Allele origin: germline.
Comment: This sequence change creates a premature translational stop signal (p.Pro221Serfs*2) in the CEP78 gene. It is expected to result in an absent or disrupted protein product. Loss-of-function variants in CEP78 are known to be pathogenic (PMID: 27588451, 27588452, 27627988). This variant is not present in population databases (gnomAD no frequency). This variant has not been reported in the literature in individuals affected with CEP78-related conditions. For these reasons, this variant has been classified as Pathogenic.

Literature cited by the submitters: PubMed 27588451; PubMed 27588452; PubMed 27627988.

NM_001330691.3(CEP78):c.661_665del (p.Pro221fs)

Gene: CEP78 (centrosomal protein 78; plus strand). Cytogenetic location: 9q21.2.
Variant type: Deletion.
Coding change: c.661_665del on transcript NM_001330691.3 (MANE Select); coding-DNA positions 661 to 665, 5 bases deleted (CCTGA; older notation c.661_665delCCTGA).
Protein change: p.Pro221fs; shifts the reading frame from proline 221.
Molecular consequence: frameshift variant.
Genome position (GRCh38, 1-based): chr9:78,243,519-78,243,523, CCTGA deleted; deleting any 5 consecutive bases within chr9:78,243,517-78,243,523 gives the same sequence; the c. name uses the placement nearest the transcript's 3' end. VCF-style (leftmost placement, unchanged base first): chr9-78243516-AGACCT-A. GRCh37 (hg19) VCF-style: chr9-80858432-AGACCT-A.
Other names: c.661_665del, p.Pro221fs (NM_001098802.3, NM_001330693.3, NM_001330694.2 and 4 more transcripts); short protein forms P221fs.
Identifiers: ClinVar variation 2975414 (VCV002975414.3), dbSNP rs2489838141, ClinGen allele CA2579361736.